The following is an entry in ClinVar:

NM_000093.5(COL5A1):c.4699-6C>T

Genes: COL5A1 (collagen type V alpha 1 chain; plus strand), LOC101448202 (uncharacterized LOC101448202; minus strand). Cytogenetic location: 9q34.3.
Variant type: single nucleotide variant.
Coding change: c.4699-6C>T on transcript NM_000093.5 (MANE Select); 6 bases into the intron before coding-DNA position 4699, C replaced by T.
Molecular consequence: intron variant.
Genome position (GRCh38, 1-based): chr9:134,824,594, C>T. VCF-style: chr9-134824594-C-T. GRCh37 (hg19) VCF-style: chr9-137716440-C-T.
Other names: p.?; c.4699-6C>T (NM_001278074.1).
Identifiers: ClinVar variation 136904 (VCV000136904.31), dbSNP rs113090154, ClinGen allele CA290302.

ClinVar aggregate classification (germline): Benign/Likely benign. Review status: criteria provided, multiple submitters, no conflicts (2 of 4 stars). 10 submissions from 9 submitters: Benign (8); Likely benign (2). Last evaluated 2026-09-21.

Conditions:
Ehlers-Danlos syndrome, classic type, 1 (EDSCL1). Also called: Ehlers-Danlos Syndrome, Classic Type, COL5A1-Related; EHLERS-DANLOS SYNDROME, GRAVIS TYPE; EHLERS-DANLOS SYNDROME, SEVERE CLASSIC TYPE; Ehlers-Danlos syndrome, type 1; EDS I. Identifiers: MedGen C0268335, MONDO:0019567, OMIM 130000.
Fibromuscular dysplasia, multifocal. Identifiers: MedGen C5543412, MONDO:0859151, OMIM 619329.
Ehlers-Danlos syndrome (EDS). Identifiers: Orphanet 98249, MedGen C0013720, MONDO:0020066.
Ehlers-Danlos syndrome, classic type (cEDS). Identifiers: Orphanet 287, MedGen C4225429, MONDO:0007522.

Allele frequency attached by ClinVar (database versions not stated): ExAC 0.00311; gnomAD 0.00853 and 0.00923; ESP Exome Variant Server 0.00946; TOPMed 0.00974; gnomAD exomes 0.00258 and 0.00095; 1000 Genomes Project 0.00719; 1000 Genomes Project 30x 0.00937.
gnomAD v4.1: 2,740 of 1,613,922 alleles (0.17%); highest among the groups gnomAD compares: African/African-American, 2.8%; 43 homozygotes.

Submissions (10):

Molecular Diagnostic Laboratory for Inherited Cardiovascular Disease, Montreal Heart Institute
Classification: Likely benign. Last evaluated: 2026-09-21. Review status: criteria provided, single submitter. Criteria: ACMG Guidelines, 2015. Collection method: clinical testing. Allele origin: germline. Affected: no.
Comment: BS1

Labcorp Genetics (formerly Invitae), Labcorp
Classification: Benign for Ehlers-Danlos syndrome, classic type, 1. Last evaluated: 2026-02-04. Review status: criteria provided, single submitter. Criteria: Invitae Variant Classification Sherloc (09022015). Collection method: clinical testing. Allele origin: germline.

Women's Health and Genetics/Laboratory Corporation of America, LabCorp
Classification: Benign. Last evaluated: 2023-07-21. Review status: criteria provided, single submitter. Criteria: LabCorp Variant Classification Summary - May 2015. Collection method: clinical testing. Allele origin: germline.

Genome-Nilou Lab
Classification: Benign for Ehlers-Danlos syndrome, classic type, 1. Last evaluated: 2022-03-15. Review status: criteria provided, single submitter. Criteria: ACMG Guidelines, 2015. Collection method: clinical testing. Allele origin: germline. Affected: no.

Genome-Nilou Lab
Classification: Benign for Fibromuscular dysplasia, multifocal. Last evaluated: 2022-03-15. Review status: criteria provided, single submitter. Criteria: ACMG Guidelines, 2015. Collection method: clinical testing. Allele origin: germline. Affected: no.

ARUP Laboratories, Molecular Genetics and Genomics, ARUP Laboratories
Classification: Benign. Last evaluated: 2020-12-30. Review status: criteria provided, single submitter. Criteria: ARUP Molecular Germline Variant Investigation Process 2021. Collection method: clinical testing. Allele origin: germline.

Genome Diagnostics Laboratory, The Hospital for Sick Children
Classification: Likely benign for Ehlers-Danlos syndrome. Last evaluated: 2020-02-01. Review status: criteria provided, single submitter. Criteria: ACMG Guidelines, 2015. Collection method: clinical testing. Allele origin: germline.

Mayo Clinic Laboratories, Mayo Clinic
Classification: Benign. Last evaluated: 2018-02-27. Review status: criteria provided, single submitter. Criteria: ACMG Guidelines, 2015. Collection method: clinical testing. Allele origin: germline. Observed: 15 variant alleles.

Illumina Laboratory Services, Illumina
Classification: Benign for Ehlers-Danlos syndrome, classic type, 1. Last evaluated: 2018-01-13. Review status: criteria provided, single submitter. Criteria: ICSL Variant Classification Criteria 13 December 2019. Collection method: clinical testing. Allele origin: germline.
Comment: This variant was observed in the ICSL laboratory as part of a predisposition screen in an ostensibly healthy population. It had not been previously curated by ICSL or reported in the Human Gene Mutation Database (HGMD: prior to June 1st, 2018), and was therefore a candidate for classification through an automated scoring system. Utilizing variant allele frequency, disease prevalence and penetrance estimates, and inheritance mode, an automated score was calculated to assess if this variant is too frequent to cause the disease. Based on the score and internal cut-off values, a variant classified as benign is not then subjected to further curation. The score for this variant resulted in a classification of benign for this disease.

GeneDx
Classification: Benign. Last evaluated: 2012-12-28. Review status: criteria provided, single submitter. Criteria: GeneDx Variant Classification (06012015). Collection method: clinical testing. Allele origin: germline. Affected: yes.
Comment: This variant is considered likely benign or benign based on one or more of the following criteria: it is a conservative change, it occurs at a poorly conserved position in the protein, it is predicted to be benign by multiple in silico algorithms, and/or has population frequency not consistent with disease.